The following is an entry in ClinVar:

ClinVar aggregate classification (germline): Uncertain significance (1 of 4 stars; one submission).

Conditions:
Lipoic acid synthetase deficiency. Also called: HYPERGLYCINEMIA, LACTIC ACIDOSIS, AND SEIZURES. Identifiers: Orphanet 401859, MedGen C3280887, MONDO:0013762, OMIM 614462.

Allele frequency attached by ClinVar (database versions not stated): TOPMed 0.00001.

Submission:

Labcorp Genetics (formerly Invitae), Labcorp
Classification: Uncertain significance for Lipoic acid synthetase deficiency. Last evaluated: 2019-12-14. Review status: criteria provided, single submitter. Criteria: Invitae Variant Classification Sherloc (09022015). Collection method: clinical testing. Allele origin: germline.
Comment: This sequence change replaces leucine with isoleucine at codon 100 of the LIAS protein (p.Leu100Ile). The leucine residue is highly conserved and there is a small physicochemical difference between leucine and isoleucine. In summary, the available evidence is currently insufficient to determine the role of this variant in disease. Therefore, it has been classified as a Variant of Uncertain Significance. Algorithms developed to predict the effect of missense changes on protein structure and function are either unavailable or do not agree on the potential impact of this missense change (SIFT: "Deleterious"; PolyPhen-2: "Possibly Damaging"; Align-GVGD: "Class C0"). This variant has not been reported in the literature in individuals with LIAS-related conditions. This variant is not present in population databases (ExAC no frequency).

NM_006859.4(LIAS):c.298T>A (p.Leu100Ile)

Gene: LIAS (lipoic acid synthetase; plus strand). Cytogenetic location: 4p14.
Variant type: single nucleotide variant.
Coding change: c.298T>A on transcript NM_006859.4 (MANE Select); coding-DNA position 298, T replaced by A.
Protein change: p.Leu100Ile; replaces leucine 100 with isoleucine.
Molecular consequence: missense variant. On other transcripts: intron variant (2).
Genome position (GRCh38, 1-based): chr4:39,462,275, T>A. VCF-style: chr4-39462275-T-A. GRCh37 (hg19) VCF-style: chr4-39463895-T-A.
Other names: c.298T>A, p.Leu100Ile (NM_001278590.2, NM_001278591.2, NM_194451.3); c.219-1250T>A (NM_001363700.2, NM_001278592.2); short protein forms L100I.
Identifiers: ClinVar variation 838834 (VCV000838834.10), dbSNP rs1744543385, ClinGen allele CA356664104.